The following is an entry in ClinVar:

ClinVar aggregate classification (germline): Likely benign (1 of 4 stars; one submission).

Conditions:
Hyperglycinuria. Also called: GLYCINURIA WITH OR WITHOUT OXALATE NEPHROLITHIASIS; GLYCINURIA WITH OR WITHOUT OXALATE UROLITHIASIS; IMINOGLYCINURIA TYPE II. Identifiers: MedGen C0543541, MONDO:0007677, OMIM 138500, HP:0003108.

Allele frequency attached by ClinVar (database versions not stated): 1000 Genomes Project 0.00120; TOPMed 0.00176; gnomAD 0.00242 and 0.00245.

Submission:

Illumina Laboratory Services, Illumina
Classification: Likely benign for Hyperglycinuria. Last evaluated: 2018-01-13. Review status: criteria provided, single submitter. Criteria: ICSL Variant Classification Criteria 13 December 2019. Collection method: clinical testing. Allele origin: germline.
Comment: This variant was observed in the ICSL laboratory as part of a predisposition screen in an ostensibly healthy population. It had not been previously curated by ICSL or reported in the Human Gene Mutation Database (HGMD: prior to June 1st, 2018), and was therefore a candidate for classification through an automated scoring system. Utilizing variant allele frequency, disease prevalence and penetrance estimates, and inheritance mode, an automated score was calculated to assess if this variant is too frequent to cause the disease. Based on the score and internal cut-off values, a variant classified as likely benign is not then subjected to further curation. The score for this variant resulted in a classification of likely benign for this disease.

NM_020208.4(SLC6A20):c.*1824G>A

Gene: SLC6A20 (solute carrier family 6 member 20; minus strand). Cytogenetic location: 3p21.31.
Variant type: single nucleotide variant.
Coding change: c.*1824G>A on transcript NM_020208.4 (MANE Select); 1824 bases downstream of the stop codon, G replaced by A.
Molecular consequence: 3 prime UTR variant.
Genome position (GRCh38, 1-based): chr3:45,757,154, C>T on the plus strand (G>A on the coding strand, the complement: SLC6A20 is on the minus strand). VCF-style: chr3-45757154-C-T. GRCh37 (hg19) VCF-style: chr3-45798646-C-T.
Other names: c.*1824G>A (NM_022405.4).
Identifiers: ClinVar variation 899578 (VCV000899578.4), dbSNP rs542094304, ClinGen allele CA73636820.